The following is an entry in ClinVar:

ClinVar aggregate classification (germline): Pathogenic (1 of 4 stars; one submission).

Conditions:
Hereditary breast ovarian cancer syndrome. Also called: Hereditary breast and ovarian cancer; Hereditary breast and ovarian cancer syndrome (HBOC); Breast and ovarian cancer; Hereditary breast and ovarian cancer syndrome; BRCA1- and BRCA2-Associated Hereditary Breast and Ovarian Cancer; Hereditary breast and/or ovarian cancer syndrome. Identifiers: Orphanet 145, MedGen C0677776, MeSH D061325, MONDO:0003582. Disease mechanism: loss of function.

Submission:

Lab of Molecular Oncology, Sapienza University of Rome
Classification: Pathogenic for Hereditary breast and ovarian cancer syndrome. Last evaluated: 2020-04-10. Review status: criteria provided, single submitter. Criteria: ACMG Guidelines, 2015. Collection method: clinical testing. Allele origin: germline. Inheritance: Autosomal dominant inheritance. Affected: yes. Observed: 1 heterozygote.
Comment: c.682-2delA (IVS8-2delA) is a novel splice variant of BRCA2 responsible of an alternative splicing with skipping of the first 73 bp from exon 9 and cause of a premature stop codon at residue 252 (exon 10) (p.Asn228Thrfs).

NM_000059.4(BRCA2):c.682-2del

Gene: BRCA2 (BRCA2 DNA repair associated; plus strand). Cytogenetic location: 13q13.1.
Variant type: Deletion.
Coding change: c.682-2del on transcript NM_000059.4 (MANE Select); the canonical splice acceptor site of the intron before coding-DNA position 682, one base deleted (A; older notation c.682-2delA).
Molecular consequence: splice acceptor variant.
Genome position (GRCh38, 1-based): chr13:32,330,917, A deleted. VCF-style (leftmost placement, unchanged base first): chr13-32330916-CA-C. GRCh37 (hg19) VCF-style: chr13-32905053-CA-C.
Other names: c.682-2del (NM_001406720.1, NM_001406719.1, NM_001406721.1); c.313-2del (NM_001406722.1).
Identifiers: ClinVar variation 916541 (VCV000916541.5), dbSNP rs2072384506, ClinGen allele CA1139663097.